The following is an entry in ClinVar:

NM_005257.6(GATA6):c.668C>T (p.Pro223Leu)

Gene: GATA6 (GATA binding protein 6; plus strand). Cytogenetic location: 18q11.2.
Variant type: single nucleotide variant.
Coding change: c.668C>T on transcript NM_005257.6 (MANE Select); coding-DNA position 668, C replaced by T.
Protein change: p.Pro223Leu; replaces proline 223 with leucine.
Molecular consequence: missense variant.
Genome position (GRCh38, 1-based): chr18:22,171,812, C>T. VCF-style: chr18-22171812-C-T. GRCh37 (hg19) VCF-style: chr18-19751773-C-T.
Other names: short protein forms P223L.
Identifiers: ClinVar variation 2069701 (VCV002069701.4), dbSNP rs2510626072, ClinGen allele CA401800430.
Genomic context (GRCh38, chr18:22,171,812, plus strand): 5'-ACCACCTGCAGGGGTCGGGCAGTGGGCCAGCCAACCACGCGGGCGGCGCGGGCGCGCACC[C>T]CGGCTGGCCTCAGGCCTCGGCCGACAGCCCTCCATACGGCAGCGGAGGCGGCGCGGCTGG-3'
Protein context (NP_005248.2, residues 213-233): ANHAGGAGAH[Pro223Leu]GWPQASADSP

ClinVar aggregate classification (germline): Uncertain significance (1 of 4 stars; one submission).

Conditions:
Atrioventricular septal defect 5 (AVSD5). Identifiers: MedGen C3280939, MONDO:0013769, OMIM 614474.

Submission:

Labcorp Genetics (formerly Invitae), Labcorp
Classification: Uncertain significance for Atrioventricular septal defect 5. Last evaluated: 2022-05-15. Review status: criteria provided, single submitter. Criteria: Invitae Variant Classification Sherloc (09022015). Collection method: clinical testing. Allele origin: germline.
Comment: This sequence change replaces proline, which is neutral and non-polar, with leucine, which is neutral and non-polar, at codon 223 of the GATA6 protein (p.Pro223Leu). This variant is not present in population databases (gnomAD no frequency). This variant has not been reported in the literature in individuals affected with GATA6-related conditions. Algorithms developed to predict the effect of missense changes on protein structure and function are either unavailable or do not agree on the potential impact of this missense change (SIFT: "Deleterious"; PolyPhen-2: "Benign"; Align-GVGD: "Class C0"). In summary, the available evidence is currently insufficient to determine the role of this variant in disease. Therefore, it has been classified as a Variant of Uncertain Significance.